The following is an entry in ClinVar:

ClinVar aggregate classification (germline): Uncertain significance (1 of 4 stars; one submission).

Allele frequency attached by ClinVar (database versions not stated): gnomAD exomes below 0.00001.
gnomAD v4.1: 3 of 1,613,824 alleles (0.00019%); highest among the groups gnomAD compares: Admixed American, 0.0017%; no homozygotes.

Submissions (2):

Labcorp Genetics (formerly Invitae), Labcorp
Classification: Uncertain significance. Last evaluated: 2018-08-17. Review status: criteria provided, single submitter. Criteria: Invitae Variant Classification Sherloc (09022015). Collection method: clinical testing. Allele origin: germline.
Comment: This sequence change replaces glycine with serine at codon 834 of the NEDD4L protein (p.Gly834Ser). The glycine residue is highly conserved and there is a small physicochemical difference between glycine and serine. This variant is not present in population databases (ExAC no frequency). This variant has not been reported in the literature in individuals with NEDD4L-related disease. Algorithms developed to predict the effect of missense changes on protein structure and function (SIFT, PolyPhen-2, Align-GVGD) all suggest that this variant is likely to be disruptive, but these predictions have not been confirmed by published functional studies and their clinical significance is uncertain. Algorithms developed to predict the effect of sequence changes on RNA splicing suggest that this variant may create or strengthen a splice site, but this prediction has not been confirmed by published transcriptional studies. In summary, the available evidence is currently insufficient to determine the role of this variant in disease. Therefore, it has been classified as a Variant of Uncertain Significance.

Dr. Peter K. Rogan Lab, Western University
No classification provided (evidence only). Condition: Colon adenocarcinoma. Review status: no classification provided. Collection method: in vitro. Allele origin: not applicable. Functional consequence: retained intron. Not counted in ClinVar's aggregate classification.

NM_001144967.3(NEDD4L):c.2560G>A (p.Gly854Ser)

Gene: NEDD4L (NEDD4 like E3 ubiquitin protein ligase; plus strand). Cytogenetic location: 18q21.31.
Variant type: single nucleotide variant.
Coding change: c.2560G>A on transcript NM_001144967.3 (MANE Select); coding-DNA position 2560, G replaced by A.
Protein change: p.Gly854Ser; replaces glycine 854 with serine.
Molecular consequence: missense variant.
Genome position (GRCh38, 1-based): chr18:58,389,097, G>A. VCF-style: chr18-58389097-G-A. GRCh37 (hg19) VCF-style: chr18-56056329-G-A.
Other names: NC_000018.9:g.56056329G>A; c.2197G>A, p.Gly733Ser (NM_001144964.1, NM_001144965.2, NM_001144966.3); c.2536G>A, p.Gly846Ser (NM_001144968.2); c.2476G>A, p.Gly826Ser (NM_001144969.2); c.2137G>A, p.Gly713Ser (NM_001144970.3, NM_001144971.2); c.2368G>A, p.Gly790Ser (NM_001243960.2); c.2500G>A, p.Gly834Ser (NM_015277.6); short protein forms G713S, G826S, G834S, G733S, G790S, G846S, G854S.
Identifiers: ClinVar variation 655518 (VCV000655518.2), dbSNP rs1185926634, ClinGen allele CA402558322.